The following is an entry in ClinVar:

NM_000435.3(NOTCH3):c.4333G>T (p.Ala1445Ser)

Gene: NOTCH3 (notch receptor 3; minus strand). Cytogenetic location: 19p13.12.
Variant type: single nucleotide variant.
Coding change: c.4333G>T on transcript NM_000435.3 (MANE Select); coding-DNA position 4333, G replaced by T.
Protein change: p.Ala1445Ser; replaces alanine 1445 with serine.
Molecular consequence: missense variant.
Genome position (GRCh38, 1-based): chr19:15,177,595, C>A on the plus strand (G>T on the coding strand, the complement: NOTCH3 is on the minus strand). VCF-style: chr19-15177595-C-A. GRCh37 (hg19) VCF-style: chr19-15288406-C-A.
Other names: c.4333G>T (NM_000435.2); short protein forms A1445S.
Identifiers: ClinVar variation 1362542 (VCV001362542.10), dbSNP rs377578886, ClinGen allele CA9262941.

ClinVar aggregate classification (germline): Conflicting classifications of pathogenicity. Review status: criteria provided, conflicting classifications (1 of 4 stars). 3 submissions from 3 submitters: Uncertain significance (2); Likely benign (1). Last evaluated 2026-07-01.

Conditions:
NOTCH3-related disorder. Also called: NOTCH3-related disorders; NOTCH3-related condition.
Inborn genetic diseases. Identifiers: MedGen C0950123, MeSH D030342.

Allele frequency attached by ClinVar (database versions not stated): gnomAD 0.00005 and 0.00006; gnomAD exomes 0.00007 and 0.00004; TOPMed 0.00007; ESP Exome Variant Server 0.00008; ExAC 0.00018.
gnomAD v4.1: 70 of 1,601,240 alleles (0.0044%); highest among the groups gnomAD compares: Middle Eastern, 0.15%; no homozygotes.

Submissions (3):

PreventionGenetics, part of Exact Sciences
Classification: Uncertain significance for NOTCH3-related condition. Last evaluated: 2026-07-01. Review status: criteria provided, single submitter. Criteria: ACMG Guidelines, 2015. Collection method: clinical testing. Allele origin: germline.
Comment: The NOTCH3 c.4333G>T variant is predicted to result in the amino acid substitution p.Ala1445Ser. To our knowledge, this variant has not been reported in the literature. This variant is reported in 0.014% of alleles in individuals of South Asian descent in gnomAD. At this time, the clinical significance of this variant is uncertain due to the absence of conclusive functional and genetic evidence.

Labcorp Genetics (formerly Invitae), Labcorp
Classification: Likely benign. Last evaluated: 2023-10-03. Review status: criteria provided, single submitter. Criteria: Invitae Variant Classification Sherloc (09022015). Collection method: clinical testing. Allele origin: germline.

Ambry Genetics
Classification: Uncertain significance for Inborn genetic diseases. Last evaluated: 2023-02-22. Review status: criteria provided, single submitter. Criteria: Ambry Variant Classification Scheme 2023. Collection method: clinical testing. Allele origin: germline.